The following is an entry in ClinVar:

ClinVar aggregate classification (germline): Likely benign. Review status: criteria provided, single submitter (1 of 4 stars). 2 submissions from 2 submitters: Likely benign (1). 1 of the submissions does not count toward it. Last evaluated 2025-10-10.

Conditions:
TACR3-related disorder. Also called: TACR3-related condition.

Allele frequency attached by ClinVar (database versions not stated): ExAC 0.00002.
gnomAD v4.1: 22 of 1,614,212 alleles (0.0014%); highest among the groups gnomAD compares: Non-Finnish European, 0.0019%; no homozygotes.

Submissions (2):

Labcorp Genetics (formerly Invitae), Labcorp
Classification: Likely benign. Last evaluated: 2025-10-10. Review status: criteria provided, single submitter. Criteria: Invitae Variant Classification Sherloc (09022015). Collection method: clinical testing. Allele origin: germline.

PreventionGenetics, part of Exact Sciences
Classification: Likely benign for TACR3-related condition. Last evaluated: 2022-08-10. Review status: no assertion criteria provided. Collection method: clinical testing. Allele origin: germline. Not counted in ClinVar's aggregate classification.
Comment: This variant is classified as likely benign based on ACMG/AMP sequence variant interpretation guidelines (Richards et al. 2015 PMID: 25741868, with internal and published modifications).

NM_001059.3(TACR3):c.276T>C (p.Tyr92=)

Gene: TACR3 (tachykinin receptor 3; minus strand). Cytogenetic location: 4q24.
Variant type: single nucleotide variant.
Coding change: c.276T>C on transcript NM_001059.3 (MANE Select); coding-DNA position 276, T replaced by C.
Protein change: p.Tyr92=; no amino-acid change (tyrosine 92 retained).
Molecular consequence: synonymous variant.
Genome position (GRCh38, 1-based): chr4:103,719,400, A>G on the plus strand (T>C on the coding strand, the complement: TACR3 is on the minus strand). VCF-style: chr4-103719400-A-G. GRCh37 (hg19) VCF-style: chr4-104640557-A-G.
Identifiers: ClinVar variation 2724555 (VCV002724555.5), dbSNP rs200917910, ClinGen allele CA3031157.